The following is an entry in ClinVar:

NM_003201.3(TFAM):c.35G>C (p.Ser12Thr)

Gene: TFAM (transcription factor A, mitochondrial; plus strand). Cytogenetic location: 10q21.1.
Variant type: single nucleotide variant.
Coding change: c.35G>C on transcript NM_003201.3 (MANE Select); coding-DNA position 35, G replaced by C.
Protein change: p.Ser12Thr; replaces serine 12 with threonine.
Molecular consequence: missense variant. On other transcripts: non-coding transcript variant (1).
Genome position (GRCh38, 1-based): chr10:58,385,582, G>C. VCF-style: chr10-58385582-G-C. GRCh37 (hg19) VCF-style: chr10-60145342-G-C.
Other names: p.Ser12Thr; c.35G>C, p.Ser12Thr (NM_001270782.2); short protein forms S12T.
Identifiers: ClinVar variation 670994 (VCV000670994.13), dbSNP rs1937, ClinGen allele CA5507853.

ClinVar aggregate classification (germline): Benign. Review status: criteria provided, multiple submitters, no conflicts (2 of 4 stars). 5 submissions from 5 submitters: Benign (4). 1 of the submissions does not count toward it. Last evaluated 2026-02-01.

Conditions:
TFAM-related disorder. Also called: TFAM-related condition.

Allele frequency attached by ClinVar (database versions not stated): ESP Exome Variant Server 0.06968; 1000 Genomes Project 0.08846; 1000 Genomes Project 30x 0.08307; gnomAD exomes 0.09569; ExAC 0.15488; TOPMed 0.07487; gnomAD 0.07523 and 0.07823.
gnomAD v4.1: 159,784 of 1,570,732 alleles (10%); highest among the groups gnomAD compares: East Asian, 18%; 8,794 homozygotes.

Submissions (5):

Labcorp Genetics (formerly Invitae), Labcorp
Classification: Benign. Last evaluated: 2026-02-01. Review status: criteria provided, single submitter. Criteria: Invitae Variant Classification Sherloc (09022015). Collection method: clinical testing. Allele origin: germline.

Mayo Clinic Laboratories, Mayo Clinic
Classification: Benign. Last evaluated: 2022-11-10. Review status: criteria provided, single submitter. Criteria: ACMG Guidelines, 2015. Collection method: clinical testing. Allele origin: germline. Observed: 46 variant alleles.
Comment: BA1, BP4

GeneDx
Classification: Benign. Last evaluated: 2018-06-14. Review status: criteria provided, single submitter. Criteria: GeneDx Variant Classification (06012015). Collection method: clinical testing. Allele origin: germline. Affected: yes.
Comment: This variant is considered likely benign or benign based on one or more of the following criteria: it is a conservative change, it occurs at a poorly conserved position in the protein, it is predicted to be benign by multiple in silico algorithms, and/or has population frequency not consistent with disease.

Breakthrough Genomics
Classification: Benign. Review status: criteria provided, single submitter. Criteria: ACMG Guidelines, 2015. Collection method: not provided. Allele origin: germline. Inheritance: Autosomal recessive inheritance. Affected: yes.

PreventionGenetics, part of Exact Sciences
Classification: Benign for TFAM-related condition. Last evaluated: 2019-12-03. Review status: no assertion criteria provided. Collection method: clinical testing. Allele origin: germline. Not counted in ClinVar's aggregate classification.
Comment: This variant is classified as benign based on ACMG/AMP sequence variant interpretation guidelines (Richards et al. 2015 PMID: 25741868, with internal and published modifications).